The following is an entry in ClinVar:

NM_000321.3(RB1):c.137+107G>A

Gene: RB1 (RB transcriptional corepressor 1; plus strand). Cytogenetic location: 13q14.2.
Variant type: single nucleotide variant.
Coding change: c.137+107G>A on transcript NM_000321.3 (MANE Select); 107 bases into the intron after coding-DNA position 137, G replaced by A.
Molecular consequence: intron variant.
Genome position (GRCh38, 1-based): chr13:48,304,156, G>A. VCF-style: chr13-48304156-G-A. GRCh37 (hg19) VCF-style: chr13-48878292-G-A.
Identifiers: ClinVar variation 1261281 (VCV001261281.4), dbSNP rs2252544, ClinGen allele CA13812211.
Genomic context (GRCh38, chr13:48,304,156, plus strand): 5'-GGTGTGCGTAGGGCGGGCGCCAAGGCGGCTCGGCGGGGATCCGTCCTCGCCAGGGGCCGG[G>A]TCCCGGCGGGAGGAGGCGCCCTCCCTGCCCCCCGCCACGGCGGAGCGTCTGCAGAATGGT-3'

ClinVar aggregate classification (germline): Benign. Review status: criteria provided, multiple submitters, no conflicts (2 of 4 stars). 3 submissions from 3 submitters: Benign (3). Last evaluated 2025-09-17.

Conditions:
Hereditary retinoblastoma. Identifiers: Orphanet 357027, MedGen C0751483, MONDO:0018160.

Allele frequency attached by ClinVar (database versions not stated): 1000 Genomes Project 30x 0.50062; 1000 Genomes Project 0.51138; TOPMed 0.54238; gnomAD 0.55039 and 0.55757; gnomAD exomes 0.70129.
gnomAD v4.1: 840,556 of 1,231,632 alleles (68%); highest among the groups gnomAD compares: Non-Finnish European, 72%; 296,411 homozygotes.

Submissions (3):

Ramesar Group, Division of Human Genetics, Institute of Infectious Diseases and Molecular Medicine, UCT/MRC Genomic and Precision Medicine Research Unit, University of Cape Town
Classification: Benign for Hereditary retinoblastoma. Last evaluated: 2025-09-17. Review status: criteria provided, single submitter. Criteria: ACMG Guidelines, 2015. Collection method: research. Allele origin: germline. Affected: no.
Comment: BA1 - This variant is common in the general population (gnomAD), and is present in 38 individuals in our in-house control cohort (48%) BP5 - Variant found in a patient with a different retinal disease; RB1 is not associated with the phenotype BP6 - Reported as benign in ClinVar BP7 - A non-coding variant with no predicted effect on splicing (SpliceAI scores are negligible)

GeneDx
Classification: Benign. Last evaluated: 2018-06-23. Review status: criteria provided, single submitter. Criteria: GeneDx Variant Classification Process June 2021. Collection method: clinical testing. Allele origin: germline. Affected: yes.

Breakthrough Genomics
Classification: Benign. Review status: criteria provided, single submitter. Criteria: ACMG Guidelines, 2015. Collection method: not provided. Allele origin: germline. Inheritance: Autosomal dominant inheritance. Affected: yes.